The following is an entry in ClinVar:

ClinVar aggregate classification (germline): Uncertain significance (1 of 4 stars; one submission).

Submission:

GeneDx
Classification: Uncertain significance. Last evaluated: 2024-06-27. Review status: criteria provided, single submitter. Criteria: GeneDx Variant Classification Process June 2021. Collection method: clinical testing. Allele origin: germline. Affected: yes.
Comment: Not observed at significant frequency in large population cohorts (gnomAD); In silico analysis supports that this missense variant has a deleterious effect on protein structure/function; Has not been previously published as pathogenic or benign to our knowledge; Variants in candidate genes are classified as variants of uncertain significance in accordance with ACMG guidelines (PMID: 25741868)

NM_003400.4(XPO1):c.1524G>A (p.Met508Ile)

Gene: XPO1 (exportin 1; minus strand). Cytogenetic location: 2p15.
Variant type: single nucleotide variant.
Coding change: c.1524G>A on transcript NM_003400.4 (MANE Select); coding-DNA position 1524, G replaced by A.
Protein change: p.Met508Ile; replaces methionine 508 with isoleucine.
Molecular consequence: missense variant.
Genome position (GRCh38, 1-based): chr2:61,492,609, C>T on the plus strand (G>A on the coding strand, the complement: XPO1 is on the minus strand). VCF-style: chr2-61492609-C-T. GRCh37 (hg19) VCF-style: chr2-61719744-C-T.
Other names: c.1524G>A, p.Met508Ile (NM_001410799.1); short protein forms M508I.
Identifiers: ClinVar variation 4076644 (VCV004076644.1).
Genomic context (GRCh38, chr2:61,492,609, plus strand): 5'-TACCTATCCCTTGCATACCTTTATAACAGTAACAAGAAATCGTTTTTCGTCCTCTTCATG[C>T]ATTGCTCCACTAATGGAGCCTATTGCCCAACACAATGTATTCAAATTTTTCCATGACCAC-3'
Protein context (NP_003391.1, residues 498-518): CWAIGSISGA[Met508Ile]HEEDEKRFLV